The following is an entry in ClinVar:

ClinVar aggregate classification (germline): Uncertain significance. Review status: criteria provided, multiple submitters, no conflicts (2 of 4 stars). 3 submissions from 3 submitters: Uncertain significance (3). Last evaluated 2025-08-31.

Conditions:
Inborn genetic diseases. Identifiers: MedGen C0950123, MeSH D030342.

Allele frequency attached by ClinVar (database versions not stated): ExAC 0.00004; gnomAD 0.00006; gnomAD exomes 0.00006; TOPMed 0.00009.
gnomAD v4.1: 93 of 1,614,102 alleles (0.0058%); highest among the groups gnomAD compares: Non-Finnish European, 0.007%; no homozygotes.

Submissions (3):

Ambry Genetics
Classification: Uncertain significance for Inborn genetic diseases. Last evaluated: 2025-08-31. Review status: criteria provided, single submitter. Criteria: Ambry Variant Classification Scheme 2023. Collection method: clinical testing. Allele origin: germline.

Blueprint Genetics
Classification: Uncertain significance. Last evaluated: 2024-10-18. Review status: criteria provided, single submitter. Criteria: ACMG Guidelines, 2015. Collection method: clinical testing. Allele origin: germline.

CeGaT Center for Human Genetics Tuebingen
Classification: Uncertain significance. Last evaluated: 2023-08-01. Review status: criteria provided, single submitter. Criteria: CeGaT Center For Human Genetics Tuebingen Variant Classification Criteria Version 2. Collection method: clinical testing. Allele origin: germline. Affected: yes. Observed: 1 variant allele.
Comment: HYDIN: PM2, BP4

NM_001270974.2(HYDIN):c.1865A>G (p.Tyr622Cys)

Gene: HYDIN (HYDIN axonemal central pair apparatus protein; minus strand). Cytogenetic location: 16q22.2.
Variant type: single nucleotide variant.
Coding change: c.1865A>G on transcript NM_001270974.2 (MANE Select); coding-DNA position 1865, A replaced by G.
Protein change: p.Tyr622Cys; replaces tyrosine 622 with cysteine.
Molecular consequence: missense variant.
Genome position (GRCh38, 1-based): chr16:71,069,376, T>C on the plus strand (A>G on the coding strand, the complement: HYDIN is on the minus strand). VCF-style: chr16-71069376-T-C. GRCh37 (hg19) VCF-style: chr16-71103279-T-C.
Other names: c.1946A>G, p.Tyr649Cys (NM_001198542.1); c.1916A>G, p.Tyr639Cys (NM_001198543.1); c.1865A>G, p.Tyr622Cys (NM_017558.5); short protein forms Y622C, Y639C, Y649C.
Identifiers: ClinVar variation 2213438 (VCV002213438.28), dbSNP rs752773731, ClinGen allele CA8151266.